The following is an entry in ClinVar:

NM_001360.3(DHCR7):c.139C>T (p.Leu47=)

Gene: DHCR7 (7-dehydrocholesterol reductase; minus strand). Cytogenetic location: 11q13.4.
Variant type: single nucleotide variant.
Coding change: c.139C>T on transcript NM_001360.3 (MANE Select); coding-DNA position 139, C replaced by T.
Protein change: p.Leu47=; no amino-acid change (leucine 47 retained).
Molecular consequence: synonymous variant.
Genome position (GRCh38, 1-based): chr11:71,444,175, G>A on the plus strand (C>T on the coding strand, the complement: DHCR7 is on the minus strand). VCF-style: chr11-71444175-G-A. GRCh37 (hg19) VCF-style: chr11-71155221-G-A.
Other names: c.139C>T, p.Leu47= (NM_001163817.2).
Identifiers: ClinVar variation 283587 (VCV000283587.26), dbSNP rs140721259, ClinGen allele CA6162680.

ClinVar aggregate classification (germline): Conflicting classifications of pathogenicity. Review status: criteria provided, conflicting classifications (1 of 4 stars). 7 submissions from 7 submitters: Uncertain significance (1); Likely benign (4). 2 of the submissions do not count toward it. Last evaluated 2026-01-31.

Conditions:
DHCR7-related disorder. Also called: DHCR7-related condition.
Inborn genetic diseases. Identifiers: MedGen C0950123, MeSH D030342.
Smith-Lemli-Opitz syndrome (SLOS). Also called: 7-Dehydrocholesterol reductase deficiency; LETHAL ACRODYSGENITAL SYNDROME; POLYDACTYLY, SEX REVERSAL, RENAL HYPOPLASIA, AND UNILOBAR LUNG; RSH SYNDROME; RUTLEDGE LETHAL MULTIPLE CONGENITAL ANOMALY SYNDROME. Identifiers: Orphanet 818, MedGen C0175694, MONDO:0010035, OMIM 270400.

Allele frequency attached by ClinVar (database versions not stated): ExAC 0.00014; gnomAD 0.00022 and 0.00027; TOPMed 0.00031; ESP Exome Variant Server 0.00046.

Submissions (7):

Labcorp Genetics (formerly Invitae), Labcorp
Classification: Likely benign for Smith-Lemli-Opitz syndrome. Last evaluated: 2026-01-31. Review status: criteria provided, single submitter. Criteria: Invitae Variant Classification Sherloc (09022015). Collection method: clinical testing. Allele origin: germline.

Women's Health and Genetics/Laboratory Corporation of America, LabCorp
Classification: Likely benign. Last evaluated: 2021-06-23. Review status: criteria provided, single submitter. Criteria: LabCorp Variant Classification Summary - May 2015. Collection method: clinical testing. Allele origin: germline.
Comment: Variant summary: DHCR7 c.139C>T alters a conserved nucleotide resulting in a synonymous change. 4/4 computational tools predict no significant impact on normal splicing while predicting the disruption of ESE binding sites. However, these predictions have yet to be confirmed by functional studies. The variant allele was found at a frequency of 5.9e-05 in 236214 control chromosomes. This frequency is not significantly higher than expected for a pathogenic variant in DHCR7 causing Smith-Lemli-Opitz Syndrome (5.9e-05 vs 0.0043), allowing no conclusion about variant significance. c.139C>T has been reported in the literature as a polymorphism and/or non pathogenic variant in individuals affected with Smith-Lemli-Opitz Syndrome (example, Witsch-Baumgartner_2001, Jira_2003, Waterham_2012). These report(s) do not provide unequivocal conclusions about association of the variant with Smith-Lemli-Opitz Syndrome. To our knowledge, no experimental evidence demonstrating an impact on protein function has been reported. Three clinical diagnostic laboratories have submitted clinical-significance assessments for this variant to ClinVar after 2014 without evidence for independent evaluation (VUS, n=1; likely benign, n=2). Based on the evidence outlined above, the variant was classified as likely benign.

GeneDx
Classification: Likely benign. Last evaluated: 2021-01-18. Review status: criteria provided, single submitter. Criteria: GeneDx Variant Classification Process June 2021. Collection method: clinical testing. Allele origin: germline. Affected: yes.

Ambry Genetics
Classification: Likely benign for Inborn genetic diseases. Last evaluated: 2017-01-17. Review status: criteria provided, single submitter. Criteria: Ambry Variant Classification Scheme 2023. Collection method: clinical testing. Allele origin: germline.

Eurofins Ntd Llc (ga)
Classification: Uncertain significance. Last evaluated: 2015-10-12. Review status: criteria provided, single submitter. Criteria: EGL Classification Definitions 2015. Collection method: clinical testing. Allele origin: germline. Observed: 1 variant allele, 1 heterozygote.

PreventionGenetics, part of Exact Sciences
Classification: Likely benign for DHCR7-related condition. Last evaluated: 2021-06-14. Review status: no assertion criteria provided. Collection method: clinical testing. Allele origin: germline. Not counted in ClinVar's aggregate classification.
Comment: This variant is classified as likely benign based on ACMG/AMP sequence variant interpretation guidelines (Richards et al. 2015 PMID: 25741868, with internal and published modifications).

Natera, Inc.
Classification: Likely benign for Smith-Lemli-Opitz syndrome. Last evaluated: 2020-11-02. Review status: no assertion criteria provided. Collection method: clinical testing. Allele origin: germline. Not counted in ClinVar's aggregate classification.

Literature cited by the submitters: PubMed 12914579 (cited by Women's Health and Genetics/Laboratory Corporation of America, LabCorp); PubMed 23042628 (cited by Women's Health and Genetics/Laboratory Corporation of America, LabCorp); PubMed 11241839 (cited by Women's Health and Genetics/Laboratory Corporation of America, LabCorp).